The following is an entry in ClinVar:

NM_021224.6(ZNF462):c.4745_4746del (p.Cys1582fs)

Gene: ZNF462 (zinc finger protein 462; plus strand). Cytogenetic location: 9q31.2.
Variant type: Microsatellite.
Coding change: c.4745_4746del on transcript NM_021224.6 (MANE Select); coding-DNA positions 4745 to 4746, 2 bases deleted (GT; older notation c.4745_4746delGT).
Protein change: p.Cys1582fs; shifts the reading frame from cysteine 1582.
Molecular consequence: frameshift variant. On other transcripts: intron variant (1).
Genome position (GRCh38, 1-based): chr9:106,928,657-106,928,658, GT deleted; deleting any 2 consecutive bases within chr9:106,928,654-106,928,658 gives the same sequence; the c. name uses the placement nearest the transcript's 3' end. VCF-style (leftmost placement, unchanged base first): chr9-106928653-CTG-C. GRCh37 (hg19) VCF-style: chr9-109690934-CTG-C.
Other names: c.3252+1493_3252+1494del (NM_001347997.2); short protein forms C1582fs.
Identifiers: ClinVar variation 1705000 (VCV001705000.2), dbSNP rs2538801722, ClinGen allele CA2580616277.

ClinVar aggregate classification (germline): Pathogenic (1 of 4 stars; one submission).

Submission:

GeneDx
Classification: Pathogenic. Last evaluated: 2022-09-19. Review status: criteria provided, single submitter. Criteria: GeneDx Variant Classification Process June 2021. Collection method: clinical testing. Allele origin: germline. Affected: yes.
Comment: Frameshift variant predicted to result in protein truncation or nonsense mediated decay in a gene for which loss-of-function is a known mechanism of disease; Not observed at significant frequency in large population cohorts (gnomAD); Has not been previously published as pathogenic or benign to our knowledge